The following is an entry in ClinVar:

NM_006302.3(MOGS):c.287G>A (p.Trp96Ter)

Genes: MOGS (mannosyl-oligosaccharide glucosidase; minus strand), LOC129934128 (ATAC-STARR-seq lymphoblastoid silent region 11664; plus strand). Cytogenetic location: 2p13.1.
Variant type: single nucleotide variant.
Coding change: c.287G>A on transcript NM_006302.3 (MANE Select); coding-DNA position 287, G replaced by A.
Protein change: p.Trp96Ter; replaces tryptophan 96 with a stop codon.
Molecular consequence: nonsense. On other transcripts: 5 prime UTR variant (1).
Genome position (GRCh38, 1-based): chr2:74,464,961, C>T on the plus strand (G>A on the coding strand, the complement: MOGS is on the minus strand). VCF-style: chr2-74464961-C-T. GRCh37 (hg19) VCF-style: chr2-74692088-C-T.
Other names: c.-32G>A (NM_001146158.2); short protein forms W96*.
Identifiers: ClinVar variation 1400487 (VCV001400487.6), dbSNP rs781577192, ClinGen allele CA1725083.

ClinVar aggregate classification (germline): Pathogenic (1 of 4 stars; one submission).

Conditions:
MOGS-congenital disorder of glycosylation. Also called: CDG 2B; GLUCOSIDASE I DEFICIENCY; MOGS-CDG; CDG IIb. Identifiers: Orphanet 79330, MedGen C1853736, MONDO:0011629, OMIM 606056.

Allele frequency attached by ClinVar (database versions not stated): ExAC 0.00002.
gnomAD v4.1: 1 of 1,587,216 alleles (0.000063%); highest among the groups gnomAD compares: Admixed American, 0.0018%; no homozygotes.

Submission:

Labcorp Genetics (formerly Invitae), Labcorp
Classification: Pathogenic for MOGS-congenital disorder of glycosylation. Last evaluated: 2022-07-18. Review status: criteria provided, single submitter. Criteria: Invitae Variant Classification Sherloc (09022015). Collection method: clinical testing. Allele origin: germline.
Comment: For these reasons, this variant has been classified as Pathogenic. Algorithms developed to predict the effect of sequence changes on RNA splicing suggest that this variant may create or strengthen a splice site. ClinVar contains an entry for this variant (Variation ID: 1400487). This variant has not been reported in the literature in individuals affected with MOGS-related conditions. The frequency data for this variant in the population databases is considered unreliable, as metrics indicate poor data quality at this position in the gnomAD database. This sequence change creates a premature translational stop signal (p.Trp96*) in the MOGS gene. It is expected to result in an absent or disrupted protein product. Loss-of-function variants in MOGS are known to be pathogenic (PMID: 24716661, 26805780).

Literature cited by the submitters: PubMed 24716661; PubMed 26805780.